The following is an entry in ClinVar:

ClinVar aggregate classification (germline): Uncertain significance (1 of 4 stars; one submission).

Conditions:
Progressive sclerosing poliodystrophy (MTDPS4A). Also called: NEURONAL DEGENERATION OF CHILDHOOD WITH LIVER DISEASE, PROGRESSIVE; Alpers Syndrome; ALPERS DIFFUSE DEGENERATION OF CEREBRAL GRAY MATTER WITH HEPATIC CIRRHOSIS; Alpers-Huttenlocher Syndrome; Mitochondrial DNA Depletion Syndrome 4A; Alpers-Huttenlocher Syndrome (AHS). Identifiers: Orphanet 726, MedGen C0205710, MONDO:0008758, OMIM 203700.

Allele frequency attached by ClinVar (database versions not stated): gnomAD exomes below 0.00001.

Submission:

Labcorp Genetics (formerly Invitae), Labcorp
Classification: Uncertain significance for Progressive sclerosing poliodystrophy. Last evaluated: 2022-10-26. Review status: criteria provided, single submitter. Criteria: Invitae Variant Classification Sherloc (09022015). Collection method: clinical testing. Allele origin: germline.
Comment: This sequence change replaces aspartic acid, which is acidic and polar, with asparagine, which is neutral and polar, at codon 683 of the POLG protein (p.Asp683Asn). This variant is not present in population databases (gnomAD no frequency). This variant has not been reported in the literature in individuals affected with POLG-related conditions. Advanced modeling of protein sequence and biophysical properties (such as structural, functional, and spatial information, amino acid conservation, physicochemical variation, residue mobility, and thermodynamic stability) has been performed at Invitae for this missense variant, however the output from this modeling did not meet the statistical confidence thresholds required to predict the impact of this variant on POLG protein function. In summary, the available evidence is currently insufficient to determine the role of this variant in disease. Therefore, it has been classified as a Variant of Uncertain Significance.

NM_002693.3(POLG):c.2047G>A (p.Asp683Asn)

Gene: POLG (DNA polymerase gamma, catalytic subunit; minus strand). Cytogenetic location: 15q26.1.
Variant type: single nucleotide variant.
Coding change: c.2047G>A on transcript NM_002693.3 (MANE Select); coding-DNA position 2047, G replaced by A.
Protein change: p.Asp683Asn; replaces aspartic acid 683 with asparagine.
Molecular consequence: missense variant.
Genome position (GRCh38, 1-based): chr15:89,324,130, C>T on the plus strand (G>A on the coding strand, the complement: POLG is on the minus strand). VCF-style: chr15-89324130-C-T. GRCh37 (hg19) VCF-style: chr15-89867361-C-T.
Other names: c.2047G>A, p.Asp683Asn (NM_001126131.2); short protein forms D683N.
Identifiers: ClinVar variation 1722195 (VCV001722195.3), dbSNP rs2055438033, ClinGen allele CA393757492.